The following is an entry in ClinVar:

NM_138295.5(PKD1L1):c.1617G>A (p.Glu539=)

Gene: PKD1L1 (polycystin 1 like 1, transient receptor potential channel interacting; minus strand). Cytogenetic location: 7p12.3.
Variant type: single nucleotide variant.
Coding change: c.1617G>A on transcript NM_138295.5 (MANE Select); coding-DNA position 1617, G replaced by A.
Protein change: p.Glu539=; no amino-acid change (glutamic acid 539 retained).
Molecular consequence: synonymous variant.
Genome position (GRCh38, 1-based): chr7:47,905,231, C>T on the plus strand (G>A on the coding strand, the complement: PKD1L1 is on the minus strand). VCF-style: chr7-47905231-C-T. GRCh37 (hg19) VCF-style: chr7-47944828-C-T.
Identifiers: ClinVar variation 735519 (VCV000735519.9), dbSNP rs147723651, ClinGen allele CA4253992.

ClinVar aggregate classification (germline): Likely benign. Review status: criteria provided, multiple submitters, no conflicts (2 of 4 stars). 3 submissions from 3 submitters: Likely benign (2). 1 of the submissions does not count toward it. Last evaluated 2026-01-27.

Conditions:
PKD1L1-related disorder. Also called: PKD1L1-related condition.

Allele frequency attached by ClinVar (database versions not stated): ExAC 0.00012; ESP Exome Variant Server 0.00046; TOPMed 0.00051; gnomAD exomes 0.00004 and 0.00011; gnomAD 0.00061 and 0.00063; 1000 Genomes Project 0.00100; 1000 Genomes Project 30x 0.00109.
gnomAD v4.1: 156 of 1,614,168 alleles (0.0097%); highest among the groups gnomAD compares: African/African-American, 0.2%; no homozygotes.

Submissions (3):

Labcorp Genetics (formerly Invitae), Labcorp
Classification: Likely benign. Last evaluated: 2026-01-27. Review status: criteria provided, single submitter. Criteria: Invitae Variant Classification Sherloc (09022015). Collection method: clinical testing. Allele origin: germline.

Blueprint Genetics
Classification: Likely benign. Last evaluated: 2021-12-18. Review status: criteria provided, single submitter. Criteria: ACMG Guidelines, 2015. Collection method: clinical testing. Allele origin: germline.

PreventionGenetics, part of Exact Sciences
Classification: Likely benign for PKD1L1-related condition. Last evaluated: 2021-09-14. Review status: no assertion criteria provided. Collection method: clinical testing. Allele origin: germline. Not counted in ClinVar's aggregate classification.
Comment: This variant is classified as likely benign based on ACMG/AMP sequence variant interpretation guidelines (Richards et al. 2015 PMID: 25741868, with internal and published modifications).